The following is an entry in ClinVar:

ClinVar aggregate classification (germline): Pathogenic/Likely pathogenic. Review status: criteria provided, multiple submitters, no conflicts (2 of 4 stars). 7 submissions from 7 submitters: Pathogenic (1); Likely pathogenic (5). 1 of the submissions does not count toward it. Last evaluated 2026-07-24.

Conditions:
Hereditary cancer-predisposing syndrome. Also called: Neoplastic Syndromes, Hereditary; Hereditary neoplastic syndrome; Hereditary Cancer Syndrome; Tumor predisposition. Identifiers: Orphanet 140162, MedGen C0027672, MeSH D009386, MONDO:0015356.
Cardiovascular phenotype. Identifiers: MedGen CN230736.
Neurofibromatosis, type 1 (NF1). Also called: NEUROFIBROMATOSIS, TYPE I, SOMATIC; VON RECKLINGHAUSEN DISEASE; Peripheral type neurofibromatosis; Neurofibromatosis, type I. Identifiers: Orphanet 636, MedGen C0027831, MONDO:0018975, OMIM 162200. Disease mechanism: loss of function.

Allele frequency attached by ClinVar (database versions not stated): gnomAD exomes below 0.00001.
gnomAD v4.1: 1 of 1,613,920 alleles (0.000062%); highest among the groups gnomAD compares: Non-Finnish European, 0.000085%; no homozygotes.

Submissions (7):

GeneDx
Classification: Likely pathogenic. Last evaluated: 2026-07-24. Review status: criteria provided, single submitter. Criteria: GeneDx Variant Classification Process June 2021. Collection method: clinical testing. Allele origin: germline.
Comment: Not observed at significant frequency in large population cohorts (gnomAD); In silico analysis supports that this missense variant has a deleterious effect on protein structure/function; This variant is associated with the following publications: (PMID: 26331193, 10712197, 24803665, 22190595, 23758643, 23404336, 25486365, Dere2025[CaseReport])

NHS Central & South Genomic Laboratory Hub
Classification: Likely pathogenic for Neurofibromatosis type 1. Last evaluated: 2025-06-05. Review status: criteria provided, single submitter. Criteria: ACMG Guidelines, 2015. Collection method: clinical testing. Allele origin: germline. Affected: yes.

Ambry Genetics
Classification: Likely pathogenic for Cardiovascular phenotype; Hereditary cancer-predisposing syndrome. Last evaluated: 2022-05-06. Review status: criteria provided, single submitter. Criteria: Ambry Variant Classification Scheme 2023. Collection method: clinical testing. Allele origin: germline.
Comment: The p.L695P variant (also known as c.2084T>C), located in coding exon 18 of the NF1 gene, results from a T to C substitution at nucleotide position 2084. The leucine at codon 695 is replaced by proline, an amino acid with similar properties. This alteration has been identified in multiple individuals with a clinical diagnosis of neurofibromatosis type 1 (Fahsold R et al. Am J Hum Genet, 2000 Mar;66:790-818; Ribeiro MJ et al. Invest Ophthalmol Vis Sci, 2012 Jan;53:287-93; Violante IR et al. Brain, 2013 Mar;136:918-25; Abdolrahimzadeh S et al. Ophthalmic Genet, 2016 06;37:214-6). This amino acid position is highly conserved in available vertebrate species. In addition, this alteration is predicted to be deleterious by in silico analysis. Based on the majority of available evidence to date, this variant is likely to be pathogenic.

Labcorp Genetics (formerly Invitae), Labcorp
Classification: Pathogenic for Neurofibromatosis, type 1. Last evaluated: 2022-03-26. Review status: criteria provided, single submitter. Criteria: Invitae Variant Classification Sherloc (09022015). Collection method: clinical testing. Allele origin: germline.
Comment: For these reasons, this variant has been classified as Pathogenic. Advanced modeling of protein sequence and biophysical properties (such as structural, functional, and spatial information, amino acid conservation, physicochemical variation, residue mobility, and thermodynamic stability) performed at Invitae indicates that this missense variant is expected to disrupt NF1 protein function. ClinVar contains an entry for this variant (Variation ID: 68309). This missense change has been observed in individual(s) with neurofibromatosis type-1 (PMID: 10712197, 23404336, 23758643, 26331193; Invitae). In at least one individual the variant was observed to be de novo. This variant is not present in population databases (gnomAD no frequency). This sequence change replaces leucine, which is neutral and non-polar, with proline, which is neutral and non-polar, at codon 695 of the NF1 protein (p.Leu695Pro).

Genome-Nilou Lab
Classification: Likely pathogenic for Neurofibromatosis, type 1. Last evaluated: 2022-03-15. Review status: criteria provided, single submitter. Criteria: ACMG Guidelines, 2015. Collection method: clinical testing. Allele origin: germline. Affected: no.

Genome Diagnostics Laboratory, The Hospital for Sick Children
Classification: Likely pathogenic for Neurofibromatosis, type 1. Last evaluated: 2020-10-26. Review status: criteria provided, single submitter. Criteria: ACMG Guidelines, 2015. Collection method: clinical testing. Allele origin: germline. Affected: yes.

UniProtKB/Swiss-Prot
No classification provided. Review status: no classification provided. Collection method: not provided. Allele origin: not provided. Not counted in ClinVar's aggregate classification.

Literature cited by the submitters: PubMed 10712197 (cited by Labcorp Genetics (formerly Invitae), Labcorp); PubMed 23404336 (cited by Labcorp Genetics (formerly Invitae), Labcorp); PubMed 23758643 (cited by Labcorp Genetics (formerly Invitae), Labcorp); PubMed 26331193 (cited by Labcorp Genetics (formerly Invitae), Labcorp).

NM_001042492.3(NF1):c.2084T>C (p.Leu695Pro)

Gene: NF1 (neurofibromin 1; plus strand). Cytogenetic location: 17q11.2.
Variant type: single nucleotide variant.
Coding change: c.2084T>C on transcript NM_001042492.3 (MANE Select); coding-DNA position 2084, T replaced by C.
Protein change: p.Leu695Pro; replaces leucine 695 with proline.
Molecular consequence: missense variant.
Genome position (GRCh38, 1-based): chr17:31,226,517, T>C. VCF-style: chr17-31226517-T-C. GRCh37 (hg19) VCF-style: chr17-29553535-T-C.
Other names: c.2084T>C, p.Leu695Pro (NM_000267.4); short protein forms L695P.
Identifiers: ClinVar variation 68309 (VCV000068309.18), dbSNP rs199474761, ClinGen allele CA219421.